The following is an entry in ClinVar:

NM_057175.5(NAA15):c.245-13C>G

Gene: NAA15 (N-alpha-acetyltransferase 15, NatA auxiliary subunit; plus strand). Cytogenetic location: 4q31.1.
Variant type: single nucleotide variant.
Coding change: c.245-13C>G on transcript NM_057175.5 (MANE Select); 13 bases into the intron before coding-DNA position 245, C replaced by G.
Molecular consequence: intron variant.
Genome position (GRCh38, 1-based): chr4:139,340,899, C>G. VCF-style: chr4-139340899-C-G. GRCh37 (hg19) VCF-style: chr4-140262053-C-G.
Other names: c.245-13C>G (NM_001410842.1).
Identifiers: ClinVar variation 4687071 (VCV004687071.1).

ClinVar aggregate classification (germline): Uncertain significance (1 of 4 stars; one submission).

Submission:

GeneDx
Classification: Uncertain significance. Last evaluated: 2025-07-26. Review status: criteria provided, single submitter. Criteria: GeneDx Variant Classification Process June 2021. Collection method: clinical testing. Allele origin: germline. Affected: yes.
Comment: Not observed at significant frequency in large population cohorts (gnomAD); In silico analysis suggests that this variant does not alter splicing; Has not been previously published as pathogenic or benign to our knowledge